The following is an entry in ClinVar:

NM_000245.4(MET):c.770A>G (p.Asn257Ser)

Gene: MET (MET proto-oncogene, receptor tyrosine kinase; plus strand). Cytogenetic location: 7q31.2.
Variant type: single nucleotide variant.
Coding change: c.770A>G on transcript NM_000245.4 (MANE Select); coding-DNA position 770, A replaced by G.
Protein change: p.Asn257Ser; replaces asparagine 257 with serine.
Molecular consequence: missense variant. On other transcripts: intron variant (1).
Genome position (GRCh38, 1-based): chr7:116,699,854, A>G. VCF-style: chr7-116699854-A-G. GRCh37 (hg19) VCF-style: chr7-116339908-A-G.
Other names: c.770A>G, p.Asn257Ser (NM_001127500.3, NM_001324401.3); c.-91+27277A>G (NM_001324402.2); short protein forms N257S.
Identifiers: ClinVar variation 959770 (VCV000959770.13), dbSNP rs759388741, ClinGen allele CA4448027.
Genomic context (GRCh38, chr7:116,699,854, plus strand): 5'-TTTTACCTGAGTTCAGAGATTCTTACCCCATTAAGTATGTCCATGCCTTTGAAAGCAACA[A>G]TTTTATTTACTTCTTGACGGTCCAAAGGGAAACTCTAGATGCTCAGACTTTTCACACAAG-3'
Protein context (NP_000236.2, residues 247-267): IKYVHAFESN[Asn257Ser]FIYFLTVQRE

ClinVar aggregate classification (germline): Conflicting classifications of pathogenicity. Review status: criteria provided, conflicting classifications (1 of 4 stars). 2 submissions from 2 submitters: Uncertain significance (1); Likely benign (1). Last evaluated 2025-12-10.

Conditions:
Renal cell carcinoma. Identifiers: Orphanet 217071, MedGen C0007134, MeSH D002292, MONDO:0005086, HP:0005584.
Hereditary cancer-predisposing syndrome. Also called: Tumor predisposition; Hereditary neoplastic syndrome; Neoplastic Syndromes, Hereditary; Hereditary Cancer Syndrome. Identifiers: Orphanet 140162, MedGen C0027672, MeSH D009386, MONDO:0015356.

Allele frequency attached by ClinVar (database versions not stated): gnomAD exomes below 0.00001; TOPMed below 0.00001; ExAC 0.00001.

Submissions (2):

Ambry Genetics
Classification: Likely benign for Hereditary cancer-predisposing syndrome. Last evaluated: 2025-12-10. Review status: criteria provided, single submitter. Criteria: Ambry Variant Classification Scheme 2023. Collection method: clinical testing. Allele origin: germline.

Labcorp Genetics (formerly Invitae), Labcorp
Classification: Uncertain significance for Renal cell carcinoma. Last evaluated: 2022-07-25. Review status: criteria provided, single submitter. Criteria: Invitae Variant Classification Sherloc (09022015). Collection method: clinical testing. Allele origin: germline.
Comment: In summary, the available evidence is currently insufficient to determine the role of this variant in disease. Therefore, it has been classified as a Variant of Uncertain Significance. Algorithms developed to predict the effect of missense changes on protein structure and function (SIFT, PolyPhen-2, Align-GVGD) all suggest that this variant is likely to be tolerated. ClinVar contains an entry for this variant (Variation ID: 959770). This variant has not been reported in the literature in individuals affected with MET-related conditions. This variant is present in population databases (rs759388741, gnomAD 0.0009%). This sequence change replaces asparagine, which is neutral and polar, with serine, which is neutral and polar, at codon 257 of the MET protein (p.Asn257Ser).